The following is an entry in ClinVar:

ClinVar aggregate classification (germline): Likely pathogenic (1 of 4 stars; one submission).

Conditions:
Telangiectasia, hereditary hemorrhagic, type 1 (HHT1). Also called: Osler Weber Rendu syndrome type 1; ENG-Related Hereditary Hemorrhagic Telangiectasia. Identifiers: Orphanet 774, MedGen C4551861, MONDO:0008535, OMIM 187300. Disease mechanism: loss of function.

Submission:

NIHR Bioresource Rare Diseases, University of Cambridge
Classification: Likely pathogenic for Telangiectasia, hereditary hemorrhagic, type 1. Last evaluated: 2018-01-01. Review status: criteria provided, single submitter. Criteria: ACMG Guidelines, 2015. Collection method: research. Allele origin: unknown. Affected: yes. Observed: 1 variant allele.
Comment: PM1+PM2+PP4

Literature cited by the submitters: PubMed 32573726.

NM_001114753.3(ENG):c.503TCC[4] (p.Leu170_Arg171insLeu)

Gene: ENG (endoglin; minus strand). Cytogenetic location: 9q34.11.
Variant type: Microsatellite.
Coding change: c.503TCC[4] on transcript NM_001114753.3 (MANE Select); four copies in a row of the 3-base unit TCC starting at c.503; the reference has three copies in a row; one copy, 3 bases duplicated.
Protein change: p.Leu170_Arg171insLeu.
Molecular consequence: inframe insertion. On other transcripts: inframe indel (2), 5 prime UTR variant (1).
Genome position (GRCh38, 1-based): chr9:127,826,522-127,826,524, GGA duplicated on the plus strand (TCC on the coding strand, the reverse complement: ENG is on the minus strand); duplicating any 3 consecutive bases within chr9:127,826,522-127,826,530 gives the same sequence; the position shown is the placement nearest the transcript's 3' end. VCF-style (leftmost placement, unchanged base first): chr9-127826521-C-CGGA. GRCh37 (hg19) VCF-style: chr9-130588800-C-CGGA.
Other names: c.511_512insTCC (NM_000118.3); c.503_505TCC[4], p.Leu170_Arg171insLeu (NM_000118.4, NM_001406715.1); c.-44TCC[4] (NM_001278138.2).
Identifiers: ClinVar variation 983210 (VCV000983210.3), dbSNP rs1830619692, ClinGen allele CA1879977324.